The following is an entry in ClinVar:

NM_020810.3(TRMT5):c.641A>G (p.His214Arg)

Gene: TRMT5 (tRNA methyltransferase 5; minus strand). Cytogenetic location: 14q23.1.
Variant type: single nucleotide variant.
Coding change: c.641A>G on transcript NM_020810.3 (MANE Select); coding-DNA position 641, A replaced by G.
Protein change: p.His214Arg; replaces histidine 214 with arginine.
Molecular consequence: missense variant.
Genome position (GRCh38, 1-based): chr14:60,979,257, T>C on the plus strand (A>G on the coding strand, the complement: TRMT5 is on the minus strand). VCF-style: chr14-60979257-T-C. GRCh37 (hg19) VCF-style: chr14-61445975-T-C.
Other names: c.725A>G, p.His242Arg (NM_001350253.1); c.722A>G, p.His241Arg (NM_001350254.1); short protein forms H241R, H214R, H242R.
Identifiers: ClinVar variation 1483916 (VCV001483916.4), dbSNP rs191207997, ClinGen allele CA7213883.

ClinVar aggregate classification (germline): Conflicting classifications of pathogenicity. Review status: criteria provided, conflicting classifications (1 of 4 stars). 2 submissions from 2 submitters: Uncertain significance (1); Likely benign (1). Last evaluated 2024-10-14.

Conditions:
TRMT5-related disorder. Also called: TRMT5-related condition.

Allele frequency attached by ClinVar (database versions not stated): ESP Exome Variant Server 0.00015; TOPMed 0.00018; gnomAD exomes 0.00027 and 0.00033; ExAC 0.00034; gnomAD 0.00043 and 0.00046.
gnomAD v4.1: 458 of 1,608,092 alleles (0.028%); highest among the groups gnomAD compares: Non-Finnish European, 0.029%; no homozygotes.

Submissions (2):

PreventionGenetics, part of Exact Sciences
Classification: Likely benign for TRMT5-related condition. Last evaluated: 2024-10-14. Review status: criteria provided, single submitter. Criteria: ACMG Guidelines, 2015. Collection method: clinical testing. Allele origin: germline.
Comment: This variant is classified as likely benign based on ACMG/AMP sequence variant interpretation guidelines (Richards et al. 2015 PMID: 25741868, with internal and published modifications).

Labcorp Genetics (formerly Invitae), Labcorp
Classification: Uncertain significance. Last evaluated: 2022-10-17. Review status: criteria provided, single submitter. Criteria: Invitae Variant Classification Sherloc (09022015). Collection method: clinical testing. Allele origin: germline.
Comment: This sequence change replaces histidine, which is basic and polar, with arginine, which is basic and polar, at codon 214 of the TRMT5 protein (p.His214Arg). This variant is present in population databases (rs191207997, gnomAD 0.2%). This variant has not been reported in the literature in individuals affected with TRMT5-related conditions. ClinVar contains an entry for this variant (Variation ID: 1483916). Advanced modeling of protein sequence and biophysical properties (such as structural, functional, and spatial information, amino acid conservation, physicochemical variation, residue mobility, and thermodynamic stability) performed at Invitae indicates that this missense variant is not expected to disrupt TRMT5 protein function. In summary, the available evidence is currently insufficient to determine the role of this variant in disease. Therefore, it has been classified as a Variant of Uncertain Significance.